The following is an entry in ClinVar:

NM_152515.5(CKAP2L):c.2111T>C (p.Leu704Pro)

Genes: CKAP2L (cytoskeleton associated protein 2 like; minus strand), NT5DC4 (5'-nucleotidase domain containing 4; plus strand). Cytogenetic location: 2q14.1.
Variant type: single nucleotide variant.
Coding change: c.2111T>C on transcript NM_152515.5 (MANE Select); coding-DNA position 2111, T replaced by C.
Protein change: p.Leu704Pro; replaces leucine 704 with proline.
Molecular consequence: missense variant. On other transcripts: non-coding transcript variant (1), 3 prime UTR variant (1), intron variant (1).
Genome position (GRCh38, 1-based): chr2:112,738,950, A>G on the plus strand (T>C on the coding strand, the complement: CKAP2L is on the minus strand). VCF-style: chr2-112738950-A-G. GRCh37 (hg19) VCF-style: chr2-113496527-A-G.
Other names: c.1616T>C, p.Leu539Pro (NM_001304361.2); c.*14A>G (NM_001393655.1); c.1249-3462A>G (NM_001350494.2); short protein forms L539P, L704P.
Identifiers: ClinVar variation 1480793 (VCV001480793.6), dbSNP rs1679623183, ClinGen allele CA348290953.
Genomic context (GRCh38, chr2:112,738,950, plus strand): 5'-TTTGTTTCTTCCACTTCTAACAGTTCATCAAGAGAAGCCACTACTAAATCGTGTTCCTGC[A>G]GCATTTCTGGGTAGCGGGACACTGCTCGCTCAATCCTCGACGAACGCCGTACAGGAGTGA-3'
Protein context (NP_689728.3, residues 694-714): ERAVSRYPEM[Leu704Pro]QEHDLVVASL

ClinVar aggregate classification (germline): Uncertain significance (1 of 4 stars; one submission).

Allele frequency attached by ClinVar (database versions not stated): gnomAD exomes below 0.00001; TOPMed below 0.00001; gnomAD 0.00001.
gnomAD v4.1: 8 of 1,614,114 alleles (0.0005%); highest among the groups gnomAD compares: Non-Finnish European, 0.00068%; no homozygotes.

Submission:

Labcorp Genetics (formerly Invitae), Labcorp
Classification: Uncertain significance. Last evaluated: 2025-01-06. Review status: criteria provided, single submitter. Criteria: Invitae Variant Classification Sherloc (09022015). Collection method: clinical testing. Allele origin: germline.
Comment: This sequence change replaces leucine, which is neutral and non-polar, with proline, which is neutral and non-polar, at codon 704 of the CKAP2L protein (p.Leu704Pro). This variant is not present in population databases (gnomAD no frequency). This variant has not been reported in the literature in individuals affected with CKAP2L-related conditions. ClinVar contains an entry for this variant (Variation ID: 1480793). Invitae Evidence Modeling of protein sequence and biophysical properties (such as structural, functional, and spatial information, amino acid conservation, physicochemical variation, residue mobility, and thermodynamic stability) indicates that this missense variant is expected to disrupt CKAP2L protein function with a positive predictive value of 80%. In summary, the available evidence is currently insufficient to determine the role of this variant in disease. Therefore, it has been classified as a Variant of Uncertain Significance.